The following is an entry in ClinVar:

ClinVar aggregate classification (germline): Uncertain significance (1 of 4 stars; one submission).

Conditions:
Cardiovascular phenotype. Identifiers: MedGen CN230736.

Submission:

Ambry Genetics
Classification: Uncertain significance for Cardiovascular phenotype. Last evaluated: 2026-06-18. Review status: criteria provided, single submitter. Criteria: Ambry Variant Classification Scheme 2023. Collection method: clinical testing. Allele origin: germline.
Comment: The p.G701V variant (also known as c.2102G>T), located in coding exon 41 of the TRDN gene, results from a G to T substitution at nucleotide position 2102. The glycine at codon 701 is replaced by valine, an amino acid with dissimilar properties. This amino acid position is conserved. In addition, the in silico prediction for this alteration is inconclusive. Based on the available evidence, the clinical significance of this variant remains unclear.

NM_006073.4(TRDN):c.2102G>T (p.Gly701Val)

Gene: TRDN (triadin; minus strand). Cytogenetic location: 6q22.31.
Variant type: single nucleotide variant.
Coding change: c.2102G>T on transcript NM_006073.4 (MANE Select); coding-DNA position 2102, G replaced by T.
Protein change: p.Gly701Val; replaces glycine 701 with valine.
Molecular consequence: missense variant.
Genome position (GRCh38, 1-based): chr6:123,218,689, C>A on the plus strand (G>T on the coding strand, the complement: TRDN is on the minus strand). VCF-style: chr6-123218689-C-A. GRCh37 (hg19) VCF-style: chr6-123539834-C-A.
Other names: short protein forms G701V.
Identifiers: ClinVar variation 5031095 (VCV005031095.1).